The following is an entry in ClinVar:

NM_001184.4(ATR):c.5608C>T (p.His1870Tyr)

Gene: ATR (ATR checkpoint kinase; minus strand). Cytogenetic location: 3q23.
Variant type: single nucleotide variant.
Coding change: c.5608C>T on transcript NM_001184.4 (MANE Select); coding-DNA position 5608, C replaced by T.
Protein change: p.His1870Tyr; replaces histidine 1870 with tyrosine.
Molecular consequence: missense variant.
Genome position (GRCh38, 1-based): chr3:142,497,143, G>A on the plus strand (C>T on the coding strand, the complement: ATR is on the minus strand). VCF-style: chr3-142497143-G-A. GRCh37 (hg19) VCF-style: chr3-142215985-G-A.
Other names: c.5416C>T, p.His1806Tyr (NM_001354579.2); short protein forms H1806Y, H1870Y.
Identifiers: ClinVar variation 3221218 (VCV003221218.1), dbSNP rs751514043, ClinGen allele CA2649577.

ClinVar aggregate classification (germline): Uncertain significance (1 of 4 stars; one submission).

Conditions:
Inborn genetic diseases. Identifiers: MedGen C0950123, MeSH D030342.

Allele frequency attached by ClinVar (database versions not stated): gnomAD exomes below 0.00001; ExAC 0.00001.
gnomAD v4.1: 2 of 1,614,072 alleles (0.00012%); highest among the groups gnomAD compares: South Asian, 0.0022%; no homozygotes.

Submission:

Ambry Genetics
Classification: Uncertain significance for Inborn genetic diseases. Last evaluated: 2023-09-16. Review status: criteria provided, single submitter. Criteria: Ambry Variant Classification Scheme 2023. Collection method: clinical testing. Allele origin: germline.
Comment: The p.H1870Y variant (also known as c.5608C>T), located in coding exon 33 of the ATR gene, results from a C to T substitution at nucleotide position 5608. The histidine at codon 1870 is replaced by tyrosine, an amino acid with similar properties. This amino acid position is conserved. In addition, this alteration is predicted to be tolerated by in silico analysis. Since supporting evidence is limited at this time, the clinical significance of this alteration remains unclear.